The following is an entry in ClinVar:

ClinVar aggregate classification (germline): Uncertain significance. Review status: criteria provided, multiple submitters, no conflicts (2 of 4 stars). 2 submissions from 2 submitters: Uncertain significance (2). Last evaluated 2026-03-09.

gnomAD v4.1: 15 of 1,613,598 alleles (0.00093%); highest among the groups gnomAD compares: South Asian, 0.016%; no homozygotes.

Submissions (2):

GeneDx
Classification: Uncertain significance. Last evaluated: 2026-03-09. Review status: criteria provided, single submitter. Criteria: GeneDx Variant Classification Process June 2021. Collection method: clinical testing. Allele origin: germline.
Comment: Seen in the heterozygous state in a patient with nonsyndromic sensorineural hearing loss, but other pathogenic variants that cause Usher syndrome were present (PMID: 33111992); In silico analysis suggests that this missense variant does not alter protein structure/function; This variant is associated with the following publications: (PMID: 33111992)

Blueprint Genetics
Classification: Uncertain significance. Last evaluated: 2019-10-07. Review status: criteria provided, single submitter. Criteria: ACMG Guidelines, 2015. Collection method: clinical testing. Allele origin: germline.

NM_173477.5(USH1G):c.395T>C (p.Val132Ala)

Gene: USH1G (USH1 protein network component sans; minus strand). Cytogenetic location: 17q25.1.
Variant type: single nucleotide variant.
Coding change: c.395T>C on transcript NM_173477.5 (MANE Select); coding-DNA position 395, T replaced by C.
Protein change: p.Val132Ala; replaces valine 132 with alanine.
Molecular consequence: missense variant.
Genome position (GRCh38, 1-based): chr17:74,920,441, A>G on the plus strand (T>C on the coding strand, the complement: USH1G is on the minus strand). VCF-style: chr17-74920441-A-G. GRCh37 (hg19) VCF-style: chr17-72916536-A-G.
Other names: c.86T>C, p.Val29Ala (NM_001282489.3); short protein forms V132A, V29A.
Identifiers: ClinVar variation 3906468 (VCV003906468.3).